The following is an entry in ClinVar:

ClinVar aggregate classification (germline): Uncertain significance (1 of 4 stars; one submission).

Conditions:
Hereditary cancer-predisposing syndrome. Also called: Hereditary neoplastic syndrome; Tumor predisposition; Hereditary Cancer Syndrome; Neoplastic Syndromes, Hereditary. Identifiers: Orphanet 140162, MedGen C0027672, MeSH D009386, MONDO:0015356.

Submission:

Ambry Genetics
Classification: Uncertain significance for Hereditary cancer-predisposing syndrome. Last evaluated: 2023-08-16. Review status: criteria provided, single submitter. Criteria: Ambry Variant Classification Scheme 2023. Collection method: clinical testing. Allele origin: germline.
Comment: The p.A167T variant (also known as c.499G>A), located in coding exon 7 of the BAP1 gene, results from a G to A substitution at nucleotide position 499. The alanine at codon 167 is replaced by threonine, an amino acid with similar properties. This amino acid position is highly conserved in available vertebrate species. In addition, this alteration is predicted to be deleterious by in silico analysis. Since supporting evidence is limited at this time, the clinical significance of this alteration remains unclear.

NM_004656.4(BAP1):c.499G>A (p.Ala167Thr)

Gene: BAP1 (BRCA1 associated deubiquitinase 1; minus strand). Cytogenetic location: 3p21.1.
Variant type: single nucleotide variant.
Coding change: c.499G>A on transcript NM_004656.4 (MANE Select); coding-DNA position 499, G replaced by A.
Protein change: p.Ala167Thr; replaces alanine 167 with threonine.
Molecular consequence: missense variant.
Genome position (GRCh38, 1-based): chr3:52,407,255, C>T on the plus strand (G>A on the coding strand, the complement: BAP1 is on the minus strand). VCF-style: chr3-52407255-C-T. GRCh37 (hg19) VCF-style: chr3-52441271-C-T.
Other names: c.499G>A, p.Ala167Thr (NM_001410772.1); short protein forms A167T.
Identifiers: ClinVar variation 2585678 (VCV002585678.2), dbSNP rs2153227836, ClinGen allele CA353110035.